The following is an entry in ClinVar:

NM_001330260.2(SCN8A):c.5547T>G (p.Phe1849Leu)

Gene: SCN8A (sodium voltage-gated channel alpha subunit 8; plus strand). Cytogenetic location: 12q13.13.
Variant type: single nucleotide variant.
Coding change: c.5547T>G on transcript NM_001330260.2 (MANE Select); coding-DNA position 5547, T replaced by G.
Protein change: p.Phe1849Leu; replaces phenylalanine 1849 with leucine.
Molecular consequence: missense variant.
Genome position (GRCh38, 1-based): chr12:51,807,033, T>G. VCF-style: chr12-51807033-T-G. GRCh37 (hg19) VCF-style: chr12-52200817-T-G.
Other names: c.5424T>G, p.Phe1808Leu (NM_001177984.3, NM_001369788.1); c.5547T>G, p.Phe1849Leu (NM_014191.4); short protein forms F1808L, F1849L.
Identifiers: ClinVar variation 1318732 (VCV001318732.2), dbSNP rs2138943950, ClinGen allele CA384887401.

ClinVar aggregate classification (germline): Uncertain significance (1 of 4 stars; one submission).

Submission:

GeneDx
Classification: Uncertain significance. Last evaluated: 2019-07-25. Review status: criteria provided, single submitter. Criteria: GeneDx Variant Classification Process June 2021. Collection method: clinical testing. Allele origin: germline. Affected: yes.
Comment: Not observed in large population cohorts (Lek et al., 2016); The majority of missense variants in this gene are considered pathogenic (Stenson et al., 2014); In silico analysis, which includes protein predictors and evolutionary conservation, supports a deleterious effect; Has not been previously published as pathogenic or benign to our knowledge